The following is an entry in ClinVar:

ClinVar aggregate classification (germline): Uncertain significance. Review status: criteria provided, multiple submitters, no conflicts (2 of 4 stars). 2 submissions from 2 submitters: Uncertain significance (2). Last evaluated 2025-02-08.

Conditions:
Inborn genetic diseases. Identifiers: MedGen C0950123, MeSH D030342.
Imerslund-Grasbeck syndrome. Also called: ENTEROCYTE COBALAMIN MALABSORPTION; ENTEROCYTE INTRINSIC FACTOR RECEPTOR, DEFECT OF; Megaloblastic anemia due to inborn errors of metabolism; Imerslund-Gräsbeck syndrome; PERNICIOUS ANEMIA, JUVENILE, DUE TO SELECTIVE INTESTINAL MALABSORPTION OF VITAMIN B12, WITH PROTEINURIA. Identifiers: Orphanet 35858, MedGen C4551825, MONDO:0009853.

Allele frequency attached by ClinVar (database versions not stated): gnomAD exomes below 0.00001.
gnomAD v4.1: 4 of 1,614,198 alleles (0.00025%); highest among the groups gnomAD compares: Admixed American, 0.0017%; no homozygotes.

Submissions (2):

Ambry Genetics
Classification: Uncertain significance for Inborn genetic diseases. Last evaluated: 2025-02-08. Review status: criteria provided, single submitter. Criteria: Ambry Variant Classification Scheme 2023. Collection method: clinical testing. Allele origin: germline.

Labcorp Genetics (formerly Invitae), Labcorp
Classification: Uncertain significance for Imerslund-Grasbeck syndrome. Last evaluated: 2022-01-31. Review status: criteria provided, single submitter. Criteria: Invitae Variant Classification Sherloc (09022015). Collection method: clinical testing. Allele origin: germline.
Comment: This sequence change replaces glutamic acid, which is acidic and polar, with alanine, which is neutral and non-polar, at codon 1483 of the CUBN protein (p.Glu1483Ala). This variant is not present in population databases (gnomAD no frequency). This variant has not been reported in the literature in individuals affected with CUBN-related conditions. Algorithms developed to predict the effect of missense changes on protein structure and function output the following: SIFT: "Tolerated"; PolyPhen-2: "Benign"; Align-GVGD: "Class C0". The alanine amino acid residue is found in multiple mammalian species, which suggests that this missense change does not adversely affect protein function. In summary, the available evidence is currently insufficient to determine the role of this variant in disease. Therefore, it has been classified as a Variant of Uncertain Significance.

NM_001081.4(CUBN):c.4448A>C (p.Glu1483Ala)

Gene: CUBN (cubilin; minus strand). Cytogenetic location: 10p13.
Variant type: single nucleotide variant.
Coding change: c.4448A>C on transcript NM_001081.4 (MANE Select); coding-DNA position 4448, A replaced by C.
Protein change: p.Glu1483Ala; replaces glutamic acid 1483 with alanine.
Molecular consequence: missense variant.
Genome position (GRCh38, 1-based): chr10:16,984,182, T>G on the plus strand (A>C on the coding strand, the complement: CUBN is on the minus strand). VCF-style: chr10-16984182-T-G. GRCh37 (hg19) VCF-style: chr10-17026181-T-G.
Other names: short protein forms E1483A.
Identifiers: ClinVar variation 2147144 (VCV002147144.2), dbSNP rs2491711113, ClinGen allele CA376144335.